The following is an entry in ClinVar:

ClinVar aggregate classification (germline): Uncertain significance (1 of 4 stars; one submission).

Conditions:
Cardiovascular phenotype. Identifiers: MedGen CN230736.

Submission:

Ambry Genetics
Classification: Uncertain significance for Cardiovascular phenotype. Last evaluated: 2024-03-27. Review status: criteria provided, single submitter. Criteria: Ambry Variant Classification Scheme 2023. Collection method: clinical testing. Allele origin: germline.
Comment: The p.P282Q variant (also known as c.845C>A), located in coding exon 3 of the LOX gene, results from a C to A substitution at nucleotide position 845. The proline at codon 282 is replaced by glutamine, an amino acid with similar properties. This amino acid position is conserved. In addition, the in silico prediction for this alteration is inconclusive. Based on the available evidence, the clinical significance of this alteration remains unclear.

NM_002317.7(LOX):c.845C>A (p.Pro282Gln)

Genes: LOX (lysyl oxidase; minus strand), SRFBP1 (serum response factor binding protein 1; plus strand). Cytogenetic location: 5q23.1.
Variant type: single nucleotide variant.
Coding change: c.845C>A on transcript NM_002317.7 (MANE Select); coding-DNA position 845, C replaced by A.
Protein change: p.Pro282Gln; replaces proline 282 with glutamine.
Molecular consequence: missense variant. On other transcripts: 5 prime UTR variant (1).
Genome position (GRCh38, 1-based): chr5:122,075,437, G>T on the plus strand (C>A on the coding strand, the complement: LOX is on the minus strand). VCF-style: chr5-122075437-G-T. GRCh37 (hg19) VCF-style: chr5-121411132-G-T.
Other names: c.155C>A, p.Pro52Gln (NM_001178102.2); c.-47C>A (NM_001317073.1); short protein forms P52Q, P282Q.
Identifiers: ClinVar variation 2608115 (VCV002608115.3), dbSNP rs2532911313, ClinGen allele CA360882081.